The following is an entry in ClinVar:

NM_000080.4(CHRNE):c.1480T>C (p.Ter494Gln)

Gene: CHRNE (cholinergic receptor nicotinic epsilon subunit; minus strand). Cytogenetic location: 17p13.2.
Variant type: single nucleotide variant.
Coding change: c.1480T>C on transcript NM_000080.4 (MANE Select); coding-DNA position 1480, T replaced by C.
Protein change: p.Ter494Gln.
Molecular consequence: stop lost.
Genome position (GRCh38, 1-based): chr17:4,898,738, A>G on the plus strand (T>C on the coding strand, the complement: CHRNE is on the minus strand). VCF-style: chr17-4898738-A-G. GRCh37 (hg19) VCF-style: chr17-4802033-A-G.
Other names: *494Q; c.1480T>C, p.Ter494Gln (LRG_1254t1).
Identifiers: ClinVar variation 631776 (VCV000631776.6), dbSNP rs972956416, ClinGen allele CA287178757.
Genomic context (GRCh38, chr17:4,898,738, plus strand): 5'-TACTTTTTCAAAATCAATTTCCTACTGGAGATGGGTGGGAAATTGAAGTCGGTGCGAGCT[A>G]AGGCTGGATACACGGCGCGTAGGGGAGATCAGGCACTCGGTTGAAGTAGGCCCCGAGGAA-3'

ClinVar aggregate classification (germline): Uncertain significance (1 of 4 stars; one submission).

gnomAD v4.1: 1 of 1,610,112 alleles (0.000062%); highest among the groups gnomAD compares: Admixed American, 0.0017%; no homozygotes.

Submission:

Women's Health and Genetics/Laboratory Corporation of America, LabCorp
Classification: Uncertain significance. Last evaluated: 2026-06-23. Review status: criteria provided, single submitter. Criteria: LabCorp Variant Classification Summary - May 2015. Collection method: clinical testing. Allele origin: germline.
Comment: Variant summary: CHRNE c.1480T>C (p.X494GlnextX15) changes the termination codon and is predicted to lead to an extended protein with additional 15 amino acids added to the normal C-terminus. The variant was absent in 243436 control chromosomes. The available data on variant occurrences in the general population are insufficient to allow any conclusion about variant significance. To our knowledge, no occurrence of c.1480T>C in individuals affected with CHRNE-related conditions and no experimental evidence demonstrating its impact on protein function have been reported. ClinVar contains an entry for this variant (Variation ID: 631776). Based on the evidence outlined above, the variant was classified as uncertain significance.